The following is an entry in ClinVar:

ClinVar aggregate classification (germline): Uncertain significance. Review status: criteria provided, multiple submitters, no conflicts (2 of 4 stars). 3 submissions from 3 submitters: Uncertain significance (3). Last evaluated 2025-09-22.

Conditions:
Thrombomodulin-related bleeding disorder (THPH12). Also called: Thrombophilia due to thrombomodulin defect. Identifiers: Orphanet 436169, MedGen C3280976, MONDO:0013775, OMIM 614486.

Allele frequency attached by ClinVar (database versions not stated): gnomAD 0.00001; gnomAD exomes 0.00002 and 0.00004; ExAC 0.00005.

Submissions (3):

Genomenon, Inc
Classification: Uncertain significance for Thrombomodulin-related bleeding disorder. Last evaluated: 2025-09-22. Review status: criteria provided, single submitter. Criteria: Genomenon Sequence Variant Interpretation Standards - Updated. Collection method: curation. Allele origin: germline. Affected: no.
Comment: THBD p.Pro499Arg (c.1496C>G) is a missense variant that changes the amino acid at residue 499 from Proline to Arginine. This variant has been reported in the published literature (PMID:37744338;24799305). It is absent or not present at a significant frequency in gnomAD. In silico models agree that this variant is not damaging. In conclusion, we classify THBD p.Pro499Arg (c.1496C>G) as a variant of unknown significance.

GeneDx
Classification: Uncertain significance. Last evaluated: 2022-12-02. Review status: criteria provided, single submitter. Criteria: GeneDx Variant Classification Process June 2021. Collection method: clinical testing. Allele origin: germline. Affected: yes.
Comment: Identified in an individual with atypical hemolytic uremic syndrome (Rodriguez de Cordoba et al., 2014); In silico analysis supports that this missense variant has a deleterious effect on protein structure/function; This variant is associated with the following publications: (PMID: 24799305)

Labcorp Genetics (formerly Invitae), Labcorp
Classification: Uncertain significance. Last evaluated: 2022-02-22. Review status: criteria provided, single submitter. Criteria: Invitae Variant Classification Sherloc (09022015). Collection method: clinical testing. Allele origin: germline.
Comment: Algorithms developed to predict the effect of missense changes on protein structure and function (SIFT, PolyPhen-2, Align-GVGD) all suggest that this variant is likely to be tolerated. In summary, the available evidence is currently insufficient to determine the role of this variant in disease. Therefore, it has been classified as a Variant of Uncertain Significance. This variant is present in population databases (rs754426265, gnomAD 0.02%). This missense change has been observed in individual(s) with atypical hemolytic uremic syndrome (PMID: 24799305). This sequence change replaces proline, which is neutral and non-polar, with arginine, which is basic and polar, at codon 499 of the THBD protein (p.Pro499Arg).

Literature cited by the submitters: PubMed 37744338 (cited by Genomenon, Inc); PubMed 24799305 (cited by Genomenon, Inc and Labcorp Genetics (formerly Invitae), Labcorp).

NM_000361.3(THBD):c.1496C>G (p.Pro499Arg)

Gene: THBD (thrombomodulin; minus strand). Cytogenetic location: 20p11.21.
Variant type: single nucleotide variant.
Coding change: c.1496C>G on transcript NM_000361.3 (MANE Select); coding-DNA position 1496, C replaced by G.
Protein change: p.Pro499Arg; replaces proline 499 with arginine.
Molecular consequence: missense variant.
Genome position (GRCh38, 1-based): chr20:23,048,009, G>C on the plus strand (C>G on the coding strand, the complement: THBD is on the minus strand). VCF-style: chr20-23048009-G-C. GRCh37 (hg19) VCF-style: chr20-23028646-G-C.
Other names: c.1496C>G (NM_000361.2); short protein forms P499R.
Identifiers: ClinVar variation 1421242 (VCV001421242.7), dbSNP rs754426265, ClinGen allele CA9787547.